The following is an entry in ClinVar:

NM_022051.3(EGLN1):c.515C>T (p.Ala172Val)

Gene: EGLN1 (egl-9 family hypoxia inducible factor 1; minus strand). Cytogenetic location: 1q42.2.
Variant type: single nucleotide variant.
Coding change: c.515C>T on transcript NM_022051.3 (MANE Select); coding-DNA position 515, C replaced by T.
Protein change: p.Ala172Val; replaces alanine 172 with valine.
Molecular consequence: missense variant.
Genome position (GRCh38, 1-based): chr1:231,421,374, G>A on the plus strand (C>T on the coding strand, the complement: EGLN1 is on the minus strand). VCF-style: chr1-231421374-G-A. GRCh37 (hg19) VCF-style: chr1-231557120-G-A.
Other names: c.515C>T, p.Ala172Val (NM_001377260.1, NM_001377261.1); short protein forms A172V.
Identifiers: ClinVar variation 1429243 (VCV001429243.8), dbSNP rs777466821, ClinGen allele CA1453159.

ClinVar aggregate classification (germline): Conflicting classifications of pathogenicity. Review status: criteria provided, conflicting classifications (1 of 4 stars). 2 submissions from 2 submitters: Uncertain significance (1); Likely benign (1). Last evaluated 2025-08-22.

Conditions:
Erythrocytosis, familial, 3 (ECYT3). Identifiers: Orphanet 247511, MedGen C1853286, MONDO:0012353, OMIM 609820.

Allele frequency attached by ClinVar (database versions not stated): gnomAD exomes 0.00002; ExAC 0.00004.
gnomAD v4.1: 35 of 1,608,014 alleles (0.0022%); highest among the groups gnomAD compares: Middle Eastern, 0.017%; 1 homozygote.

Submissions (2):

Labcorp Genetics (formerly Invitae), Labcorp
Classification: Uncertain significance for Erythrocytosis, familial, 3. Last evaluated: 2025-08-22. Review status: criteria provided, single submitter. Criteria: Invitae Variant Classification Sherloc (09022015). Collection method: clinical testing. Allele origin: germline.
Comment: This sequence change replaces alanine, which is neutral and non-polar, with valine, which is neutral and non-polar, at codon 172 of the EGLN1 protein (p.Ala172Val). The frequency data for this variant in the population databases is considered unreliable, as metrics indicate poor data quality at this position in the gnomAD database. This variant has not been reported in the literature in individuals affected with EGLN1-related conditions. ClinVar contains an entry for this variant (Variation ID: 1429243). An algorithm developed to predict the effect of missense changes on protein structure and function (PolyPhen-2) suggests that this variant is likely to be tolerated. In summary, the available evidence is currently insufficient to determine the role of this variant in disease. Therefore, it has been classified as a Variant of Uncertain Significance.

Ambry Genetics
Classification: Likely benign. Last evaluated: 2021-09-04. Review status: criteria provided, single submitter. Criteria: Ambry Variant Classification Scheme 2023. Collection method: clinical testing. Allele origin: germline.